The following is an entry in ClinVar:

NM_020191.4(MRPS22):c.378A>G (p.Leu126=)

Gene: MRPS22 (mitochondrial ribosomal protein S22; plus strand). Cytogenetic location: 3q23.
Variant type: single nucleotide variant.
Coding change: c.378A>G on transcript NM_020191.4 (MANE Select); coding-DNA position 378, A replaced by G.
Protein change: p.Leu126=; no amino-acid change (leucine 126 retained).
Molecular consequence: synonymous variant.
Genome position (GRCh38, 1-based): chr3:139,348,198, A>G. VCF-style: chr3-139348198-A-G. GRCh37 (hg19) VCF-style: chr3-139067040-A-G.
Other names: c.255A>G, p.Leu85= (NM_001363857.1); c.375A>G, p.Leu125= (NM_001363893.1); c.378A>G (NM_020191.2).
Identifiers: ClinVar variation 2892713 (VCV002892713.5), dbSNP rs149574950, ClinGen allele CA2640707.

ClinVar aggregate classification (germline): Likely benign. Review status: criteria provided, single submitter (1 of 4 stars). 2 submissions from 2 submitters: Likely benign (1). 1 of the submissions does not count toward it. Last evaluated 2023-07-18.

Conditions:
MRPS22-related disorder. Also called: MRPS22-related condition.

Allele frequency attached by ClinVar (database versions not stated): gnomAD exomes 0.00001; ExAC 0.00002; gnomAD 0.00007; ESP Exome Variant Server 0.00008; TOPMed 0.00011; 1000 Genomes Project 30x 0.00016; 1000 Genomes Project 0.00020.

Submissions (2):

Labcorp Genetics (formerly Invitae), Labcorp
Classification: Likely benign. Last evaluated: 2023-07-18. Review status: criteria provided, single submitter. Criteria: Invitae Variant Classification Sherloc (09022015). Collection method: clinical testing. Allele origin: germline.

PreventionGenetics, part of Exact Sciences
Classification: Likely benign for MRPS22-related condition. Last evaluated: 2020-04-06. Review status: no assertion criteria provided. Collection method: clinical testing. Allele origin: germline. Not counted in ClinVar's aggregate classification.
Comment: This variant is classified as likely benign based on ACMG/AMP sequence variant interpretation guidelines (Richards et al. 2015 PMID: 25741868, with internal and published modifications).